The following is an entry in ClinVar:

ClinVar aggregate classification (germline): Uncertain significance (1 of 4 stars; one submission).

Conditions:
MRAP2-related disorder. Also called: MRAP2-related condition.

Submission:

PreventionGenetics, part of Exact Sciences
Classification: Uncertain significance for MRAP2-related condition. Last evaluated: 2024-11-25. Review status: criteria provided, single submitter. Criteria: ACMG Guidelines, 2015. Collection method: clinical testing. Allele origin: germline.
Comment: The MRAP2 c.522G>C variant is predicted to result in the amino acid substitution p.Gln174His. To our knowledge, this variant has not been reported in the literature or in a large population database (gnomAD), indicating this variant is rare. At this time, the clinical significance of this variant is uncertain due to the absence of conclusive functional and genetic evidence.

NM_138409.4(MRAP2):c.522G>C (p.Gln174His)

Gene: MRAP2 (melanocortin 2 receptor accessory protein 2; plus strand). Cytogenetic location: 6q14.2.
Variant type: single nucleotide variant.
Coding change: c.522G>C on transcript NM_138409.4 (MANE Select); coding-DNA position 522, G replaced by C.
Protein change: p.Gln174His; replaces glutamine 174 with histidine.
Molecular consequence: missense variant.
Genome position (GRCh38, 1-based): chr6:84,089,385, G>C. VCF-style: chr6-84089385-G-C. GRCh37 (hg19) VCF-style: chr6-84799104-G-C.
Other names: c.264G>C, p.Gln88His (NM_001346541.2); c.522G>C, p.Gln174His (NM_001346542.2, NM_001346544.2); c.357G>C, p.Gln119His (NM_001346543.2); short protein forms Q119H, Q174H, Q88H.
Identifiers: ClinVar variation 5000430 (VCV005000430.1).
Genomic context (GRCh38, chr6:84,089,385, plus strand): 5'-AGAGGAGGAGCTGAACAGGCTCATGAAGTTTGACATCCCCAACTTTGTGAACACAGACCA[G>C]AACTACTTTGGGGAGGATGATCTTCTGATTTCTGAACCACCTATTGTTCTGGAAACTAAG-3'
Protein context (NP_612418.2, residues 164-184): FDIPNFVNTD[Gln174His]NYFGEDDLLI